The following is an entry in ClinVar:

ClinVar aggregate classification (germline): Uncertain significance (1 of 4 stars; one submission).

Conditions:
PHGDH deficiency. Identifiers: Orphanet 79351, MedGen C1866174, MONDO:0011152, OMIM 601815.

Allele frequency attached by ClinVar (database versions not stated): gnomAD exomes below 0.00001; gnomAD 0.00001; TOPMed 0.00002.
gnomAD v4.1: 5 of 1,613,426 alleles (0.00031%); highest among the groups gnomAD compares: African/African-American, 0.0067%; no homozygotes.

Submission:

Labcorp Genetics (formerly Invitae), Labcorp
Classification: Uncertain significance for PHGDH deficiency. Last evaluated: 2022-08-21. Review status: criteria provided, single submitter. Criteria: Invitae Variant Classification Sherloc (09022015). Collection method: clinical testing. Allele origin: germline.
Comment: This sequence change replaces glutamine, which is neutral and polar, with histidine, which is basic and polar, at codon 471 of the PHGDH protein (p.Gln471His). This variant is present in population databases (no rsID available, gnomAD 0.007%). This variant has not been reported in the literature in individuals affected with PHGDH-related conditions. Algorithms developed to predict the effect of missense changes on protein structure and function output the following: SIFT: "Tolerated"; PolyPhen-2: "Benign"; Align-GVGD: "Class C0". The histidine amino acid residue is found in multiple mammalian species, which suggests that this missense change does not adversely affect protein function. In summary, the available evidence is currently insufficient to determine the role of this variant in disease. Therefore, it has been classified as a Variant of Uncertain Significance.

NM_006623.4(PHGDH):c.1413G>T (p.Gln471His)

Gene: PHGDH (phosphoglycerate dehydrogenase; plus strand). Cytogenetic location: 1p12.
Variant type: single nucleotide variant.
Coding change: c.1413G>T on transcript NM_006623.4 (MANE Select); coding-DNA position 1413, G replaced by T.
Protein change: p.Gln471His; replaces glutamine 471 with histidine.
Molecular consequence: missense variant.
Genome position (GRCh38, 1-based): chr1:119,743,010, G>T. VCF-style: chr1-119743010-G-T. GRCh37 (hg19) VCF-style: chr1-120285633-G-T.
Other names: short protein forms Q471H.
Identifiers: ClinVar variation 2417412 (VCV002417412.3), dbSNP rs921861637, ClinGen allele CA30263628.